The following is an entry in ClinVar:

ClinVar aggregate classification (germline): not provided (0 of 4 stars; one submission).

Submission:

ITMI
No classification provided. Condition: AllHighlyPenetrant. Last evaluated: 2013-09-19. Review status: no classification provided. Collection method: reference population. Allele origin: germline.
Comment: Please see associated publication for description of ethnicities

Literature cited by the submitters: PubMed 24728327.

NM_000123.4(ERCC5):c.2458C>T (p.His820Tyr)

Genes: BIVM-ERCC5 (BIVM-ERCC5 readthrough; plus strand), ERCC5 (ERCC excision repair 5, endonuclease; plus strand), LOC126861834 (BRD4-independent group 4 enhancer GRCh37_chr13:103518038-103519237; plus strand). Cytogenetic location: 13q33.1.
Variant type: single nucleotide variant.
Coding change: c.2458C>T on transcript NM_000123.4 (MANE Select); coding-DNA position 2458, C replaced by T.
Protein change: p.His820Tyr; replaces histidine 820 with tyrosine.
Molecular consequence: missense variant.
Genome position (GRCh38, 1-based): chr13:102,866,770, C>T. VCF-style: chr13-102866770-C-T. GRCh37 (hg19) VCF-style: chr13-103519120-C-T.
Other names: c.3820C>T, p.His1274Tyr (NM_001204425.2); short protein forms H820Y, H1274Y.
Identifiers: ClinVar variation 134161 (VCV000134161.1), dbSNP rs587778289, ClinGen allele CA158946.